The following is an entry in ClinVar:

ClinVar aggregate classification (germline): Benign. Review status: criteria provided, multiple submitters, no conflicts (2 of 4 stars). 3 submissions from 3 submitters: Benign (2). 1 of the submissions does not count toward it. Last evaluated 2018-05-21.

Conditions:
CRY1-related disorder. Also called: CRY1-related condition.

Allele frequency attached by ClinVar (database versions not stated): gnomAD 0.01138 and 0.01191; 1000 Genomes Project 0.01458; gnomAD exomes 0.00292; ExAC 0.00345; 1000 Genomes Project 30x 0.01686; ESP Exome Variant Server 0.01023; TOPMed 0.01280.
gnomAD v4.1: 3,307 of 1,613,890 alleles (0.2%); highest among the groups gnomAD compares: African/African-American, 3.8%; 68 homozygotes.

Submissions (14):

Labcorp Genetics (formerly Invitae), Labcorp
Classification: Benign. Last evaluated: 2018-05-21. Review status: criteria provided, single submitter. Criteria: Invitae Variant Classification Sherloc (09022015). Collection method: clinical testing. Allele origin: germline.

Breakthrough Genomics
Classification: Benign. Review status: criteria provided, single submitter. Criteria: ACMG Guidelines, 2015. Collection method: not provided. Allele origin: germline. Inheritance: Autosomal dominant inheritance. Affected: yes.

PreventionGenetics, part of Exact Sciences
Classification: Benign for CRY1-related condition. Last evaluated: 2019-03-21. Review status: no assertion criteria provided. Collection method: clinical testing. Allele origin: germline. Not counted in ClinVar's aggregate classification.
Comment: This variant is classified as benign based on ACMG/AMP sequence variant interpretation guidelines (Richards et al. 2015 PMID: 25741868, with internal and published modifications).

Dr. Peter K. Rogan Lab, Western University
No classification provided (evidence only). Condition: Clear cell carcinoma of kidney. Review status: no classification provided. Collection method: in vitro. Allele origin: not applicable. Functional consequence: retained intron. Not counted in ClinVar's aggregate classification.

Dr. Peter K. Rogan Lab, Western University
No classification provided (evidence only). Condition: Clear cell carcinoma of kidney. Review status: no classification provided. Collection method: in vitro. Allele origin: not applicable. Functional consequence: retained intron. Not counted in ClinVar's aggregate classification.

Dr. Peter K. Rogan Lab, Western University
No classification provided (evidence only). Condition: Thyroid cancer, nonmedullary, 1. Review status: no classification provided. Collection method: in vitro. Allele origin: not applicable. Functional consequence: retained intron. Not counted in ClinVar's aggregate classification.

Dr. Peter K. Rogan Lab, Western University
No classification provided (evidence only). Condition: Thyroid cancer, nonmedullary, 1. Review status: no classification provided. Collection method: in vitro. Allele origin: not applicable. Functional consequence: retained intron. Not counted in ClinVar's aggregate classification.

Dr. Peter K. Rogan Lab, Western University
No classification provided (evidence only). Condition: Thyroid cancer, nonmedullary, 1. Review status: no classification provided. Collection method: in vitro. Allele origin: not applicable. Functional consequence: retained intron. Not counted in ClinVar's aggregate classification.

Dr. Peter K. Rogan Lab, Western University
No classification provided (evidence only). Condition: Sarcoma. Review status: no classification provided. Collection method: in vitro. Allele origin: not applicable. Functional consequence: retained intron. Not counted in ClinVar's aggregate classification.

Dr. Peter K. Rogan Lab, Western University
No classification provided (evidence only). Condition: Sarcoma. Review status: no classification provided. Collection method: in vitro. Allele origin: not applicable. Functional consequence: retained intron. Not counted in ClinVar's aggregate classification.

Dr. Peter K. Rogan Lab, Western University
No classification provided (evidence only). Condition: Sarcoma. Review status: no classification provided. Collection method: in vitro. Allele origin: not applicable. Functional consequence: retained intron. Not counted in ClinVar's aggregate classification.

Dr. Peter K. Rogan Lab, Western University
No classification provided (evidence only). Condition: Hepatocellular carcinoma. Review status: no classification provided. Collection method: in vitro. Allele origin: not applicable. Functional consequence: retained intron. Not counted in ClinVar's aggregate classification.

Dr. Peter K. Rogan Lab, Western University
No classification provided (evidence only). Condition: Nonpapillary renal cell carcinoma. Review status: no classification provided. Collection method: in vitro. Allele origin: not applicable. Functional consequence: retained intron. Not counted in ClinVar's aggregate classification.

Dr. Peter K. Rogan Lab, Western University
No classification provided (evidence only). Condition: Ovarian serous cystadenocarcinoma. Review status: no classification provided. Collection method: in vitro. Allele origin: not applicable. Functional consequence: retained intron. Not counted in ClinVar's aggregate classification.

NM_004075.5(CRY1):c.1503A>T (p.Ala501=)

Gene: CRY1 (cryptochrome circadian regulator 1; minus strand). Cytogenetic location: 12q23.3.
Variant type: single nucleotide variant.
Coding change: c.1503A>T on transcript NM_004075.5 (MANE Select); coding-DNA position 1503, A replaced by T.
Protein change: p.Ala501=; no amino-acid change (alanine 501 retained).
Molecular consequence: synonymous variant.
Genome position (GRCh38, 1-based): chr12:106,997,376, T>A on the plus strand (A>T on the coding strand, the complement: CRY1 is on the minus strand). VCF-style: chr12-106997376-T-A. GRCh37 (hg19) VCF-style: chr12-107391154-T-A.
Other names: NC_000012.11:g.107391154T>A.
Identifiers: ClinVar variation 781261 (VCV000781261.7), dbSNP rs112678362, ClinGen allele CA6764029.